The following is an entry in ClinVar:

ClinVar aggregate classification (germline): Benign/Likely benign. Review status: criteria provided, multiple submitters, no conflicts (2 of 4 stars). 6 submissions from 6 submitters: Benign (2); Likely benign (4). Last evaluated 2026-02-02.

Conditions:
Familial thoracic aortic aneurysm and aortic dissection (TAAD). Also called: Thoracic aortic aneurysms and dissections. Identifiers: Orphanet 91387, MedGen C4707243, MONDO:0019625.
Aortic aneurysm, familial thoracic 4 (AAT4). Also called: AORTIC ANEURYSM/AORTIC DISSECTION AND PATENT DUCTUS ARTERIOSUS. Identifiers: MedGen C1851504, MONDO:0007568, OMIM 132900.

Allele frequency attached by ClinVar (database versions not stated): ExAC 0.00004; gnomAD exomes 0.00006 and 0.00012; gnomAD 0.00007; TOPMed 0.00008.
gnomAD v4.1: 185 of 1,613,852 alleles (0.011%); highest among the groups gnomAD compares: Non-Finnish European, 0.015%; no homozygotes.

Submissions (6):

Labcorp Genetics (formerly Invitae), Labcorp
Classification: Likely benign for Aortic aneurysm, familial thoracic 4. Last evaluated: 2026-02-02. Review status: criteria provided, single submitter. Criteria: Invitae Variant Classification Sherloc (09022015). Collection method: clinical testing. Allele origin: germline.

All of Us Research Program, National Institutes of Health
Classification: Likely benign for Familial thoracic aortic aneurysm and aortic dissection. Last evaluated: 2023-12-01. Review status: criteria provided, single submitter. Criteria: ACMG Guidelines, 2015. Collection method: clinical testing. Allele origin: germline. Inheritance: Autosomal dominant inheritance. Observed: 16 variant alleles, 16 heterozygotes.
Comment: This study involves interpretation of variants in research participants for the purpose of population health screening. Participant phenotype was not available at the time of variant classification. Additional details can be found in publication PMID: 35346344, PMCID: PMC8962531

Ambry Genetics
Classification: Likely benign for Familial thoracic aortic aneurysm and aortic dissection. Last evaluated: 2019-07-05. Review status: criteria provided, single submitter. Criteria: Ambry Variant Classification Scheme 2023. Collection method: clinical testing. Allele origin: germline.

Color Diagnostics, LLC DBA Color Health
Classification: Likely benign for Familial thoracic aortic aneurysm and aortic dissection. Last evaluated: 2018-10-08. Review status: criteria provided, single submitter. Criteria: ACMG Guidelines, 2015. Collection method: clinical testing. Allele origin: germline.

Women's Health and Genetics/Laboratory Corporation of America, LabCorp
Classification: Benign. Last evaluated: 2017-10-23. Review status: criteria provided, single submitter. Criteria: LabCorp Variant Classification Summary - May 2015. Collection method: clinical testing. Allele origin: germline.
Comment: Variant summary: The MYH11 c.3249G>A (p.Ala1083Ala) variant involves the alteration of a non-conserved nucleotide causing a synonymous change and 5/5 splice prediction tools predict no significant impact on normal splicing. ESE finder predicts that this variant may alter ESE binding. However, these predictions have yet to be confirmed by functional studies. This variant was found in 16/277048 control chromosomes, predominantly observed in the European (Non-Finnish) subpopulation at a frequency of 0.000118 (15/126712). This frequency is about 94 times the estimated maximal expected allele frequency of a pathogenic MYH11 variant (0.0000013), suggesting this is likely a benign polymorphism found primarily in the populations of European (Non-Finnish) origin. In addition, a clinical diagnostic laboratory classified this variant as likely benign. The variant of interest has not, to our knowledge, been reported in affected individuals via publications. Taken together, this variant is classified as benign.

GeneDx
Classification: Benign. Last evaluated: 2015-03-03. Review status: criteria provided, single submitter. Criteria: GeneDx Variant Classification Process June 2021. Collection method: clinical testing. Allele origin: germline. Affected: yes.

NM_002474.3(MYH11):c.3228G>A (p.Ala1076=)

Gene: MYH11 (myosin heavy chain 11; minus strand). Cytogenetic location: 16p13.11.
Variant type: single nucleotide variant.
Coding change: c.3228G>A on transcript NM_002474.3 (MANE Select); coding-DNA position 3228, G replaced by A.
Protein change: p.Ala1076=; no amino-acid change (alanine 1076 retained).
Molecular consequence: synonymous variant.
Genome position (GRCh38, 1-based): chr16:15,737,514, C>T on the plus strand (G>A on the coding strand, the complement: MYH11 is on the minus strand). VCF-style: chr16-15737514-C-T. GRCh37 (hg19) VCF-style: chr16-15831371-C-T.
Other names: c.3249G>A, p.Ala1083= (NM_001040113.2, NM_001040114.2); c.3228G>A, p.Ala1076= (NM_022844.3).
Identifiers: ClinVar variation 413427 (VCV000413427.19), dbSNP rs773672888, ClinGen allele CA7922057.